The following is an entry in ClinVar:

ClinVar aggregate classification (germline): Uncertain significance. Review status: criteria provided, multiple submitters, no conflicts (2 of 4 stars). 2 submissions from 2 submitters: Uncertain significance (2). Last evaluated 2025-11-05.

Conditions:
Hereditary cancer-predisposing syndrome. Also called: Neoplastic Syndromes, Hereditary; Hereditary Cancer Syndrome; Tumor predisposition; Hereditary neoplastic syndrome. Identifiers: Orphanet 140162, MedGen C0027672, MeSH D009386, MONDO:0015356.

Submissions (2):

Labcorp Genetics (formerly Invitae), Labcorp
Classification: Uncertain significance. Last evaluated: 2025-11-05. Review status: criteria provided, single submitter. Criteria: Invitae Variant Classification Sherloc (09022015). Collection method: clinical testing. Allele origin: germline.
Comment: This sequence change replaces isoleucine, which is neutral and non-polar, with methionine, which is neutral and non-polar, at codon 622 of the POLE protein (p.Ile622Met). This variant is not present in population databases (gnomAD no frequency). This variant has not been reported in the literature in individuals affected with POLE-related conditions. ClinVar contains an entry for this variant (Variation ID: 1377332). Invitae Evidence Modeling of protein sequence and biophysical properties (such as structural, functional, and spatial information, amino acid conservation, physicochemical variation, residue mobility, and thermodynamic stability) indicates that this missense variant is expected to disrupt POLE protein function with a positive predictive value of 80%. In summary, the available evidence is currently insufficient to determine the role of this variant in disease. Therefore, it has been classified as a Variant of Uncertain Significance.

Ambry Genetics
Classification: Uncertain significance for Hereditary cancer-predisposing syndrome. Last evaluated: 2025-07-07. Review status: criteria provided, single submitter. Criteria: Ambry Variant Classification Scheme 2023. Collection method: clinical testing. Allele origin: germline.
Comment: The p.I622M variant (also known as c.1866C>G), located in coding exon 17 of the POLE gene, results from a C to G substitution at nucleotide position 1866. The isoleucine at codon 622 is replaced by methionine, an amino acid with highly similar properties. This amino acid position is conserved. In addition, the in silico prediction for this alteration is inconclusive. Since supporting evidence is limited at this time, the clinical significance of this alteration remains unclear.

NM_006231.4(POLE):c.1866C>G (p.Ile622Met)

Gene: POLE (DNA polymerase epsilon, catalytic subunit; minus strand). Cytogenetic location: 12q24.33.
Variant type: single nucleotide variant.
Coding change: c.1866C>G on transcript NM_006231.4 (MANE Select); coding-DNA position 1866, C replaced by G.
Protein change: p.Ile622Met; replaces isoleucine 622 with methionine.
Molecular consequence: missense variant.
Genome position (GRCh38, 1-based): chr12:132,668,868, G>C on the plus strand (C>G on the coding strand, the complement: POLE is on the minus strand). VCF-style: chr12-132668868-G-C. GRCh37 (hg19) VCF-style: chr12-133245454-G-C.
Other names: short protein forms I622M.
Identifiers: ClinVar variation 1377332 (VCV001377332.9), dbSNP rs1060504068, ClinGen allele CA387355444.